The following is an entry in ClinVar:

ClinVar aggregate classification (germline): Likely pathogenic (1 of 4 stars; one submission).

Conditions:
Autosomal dominant nonsyndromic hearing loss 10. Identifiers: Orphanet 90635, MedGen C1832476, MONDO:0011031, OMIM 601316.

Submission:

MVZ Medizinische Genetik Mainz
Classification: Likely pathogenic for Autosomal dominant nonsyndromic hearing loss 10. Last evaluated: 2024-10-15. Review status: criteria provided, single submitter. Criteria: UK Practice Guidelines For Variant Classification V4 01 2020. Collection method: clinical testing. Allele origin: germline. Inheritance: Autosomal dominant inheritance. Affected: yes. Observed: 1 variant allele.
Comment: ACMG Criteria: PVS1,PM2_SUP

NM_004100.5(EYA4):c.1122G>A (p.Trp374Ter)

Gene: EYA4 (EYA transcriptional coactivator and phosphatase 4; plus strand). Cytogenetic location: 6q23.2.
Variant type: single nucleotide variant.
Coding change: c.1122G>A on transcript NM_004100.5 (MANE Select); coding-DNA position 1122, G replaced by A.
Protein change: p.Trp374Ter; replaces tryptophan 374 with a stop codon.
Molecular consequence: nonsense.
Genome position (GRCh38, 1-based): chr6:133,483,046, G>A. VCF-style: chr6-133483046-G-A. GRCh37 (hg19) VCF-style: chr6-133804184-G-A.
Other names: c.960G>A, p.Trp320Ter (NM_001301012.2); c.1140G>A, p.Trp380Ter (NM_001301013.2); c.1053G>A, p.Trp351Ter (NM_001370458.1, NM_172103.4); c.978G>A, p.Trp326Ter (NM_001370459.1); c.1122G>A, p.Trp374Ter (NM_172105.4); short protein forms W320*, W326*, W351*, W374*, W380*.
Identifiers: ClinVar variation 3370331 (VCV003370331.1).